The following is an entry in ClinVar:

NM_019066.5(MAGEL2):c.3628C>T (p.Gln1210Ter)

Gene: MAGEL2 (MAGE family member L2; minus strand). Cytogenetic location: 15q11.2.
Variant type: single nucleotide variant.
Coding change: c.3628C>T on transcript NM_019066.5 (MANE Select); coding-DNA position 3628, C replaced by T.
Protein change: p.Gln1210Ter; replaces glutamine 1210 with a stop codon.
Molecular consequence: nonsense.
Genome position (GRCh38, 1-based): chr15:23,644,115, G>A on the plus strand (C>T on the coding strand, the complement: MAGEL2 is on the minus strand). VCF-style: chr15-23644115-G-A. GRCh37 (hg19) VCF-style: chr15-23889262-G-A.
Other names: short protein forms Q1210*.
Identifiers: ClinVar variation 3251961 (VCV003251961.1), dbSNP rs2503973638.

ClinVar aggregate classification (germline): Likely pathogenic (1 of 4 stars; one submission).

Conditions:
Schaaf-Yang syndrome (SHFYNG). Also called: MAGEL2-related Prader-Willi-like syndrome; Arthrogryposis, distal, with hypopituitarism, intellectual disability, and facial anomalies. Identifiers: Orphanet 398069, MedGen C5575066, MONDO:0014243, OMIM 615547.

Submission:

Diagnostics Services (NGS), CSIR - Centre For Cellular And Molecular Biology
Classification: Likely pathogenic for Schaaf-Yang syndrome. Last evaluated: 2024-04-05. Review status: criteria provided, single submitter. Criteria: ACMG Guidelines, 2015. Collection method: clinical testing. Allele origin: unknown. Affected: yes. Observed: 1 variant allele, 1 heterozygote.
Comment: The c.3628C>T variant is not present in publicly available population databases like 1000 Genomes, EVS, ExAC, gnomAD, Indian Exome Database or our in-house exome database. This variant has neither been published in literature with MAGEL2-related conditions nor reported to the clinical databases like Human Genome Mutation Database (HGMD), ClinVar or OMIM, in any affected individuals. In-silico pathogenicity prediction programs like MutationTaster2, CADD, Varsome, Franklin etc predicted this variant to be likely deleterious. This variant creates a premature translational stop signal at the 1210th amino acid position of the wild-type transcript which may either result in translation of a truncated protein or cause nonsense mediated decay of the mRNA.